The following is an entry in ClinVar:

NM_006767.4(LZTR1):c.632A>G (p.Glu211Gly)

Gene: LZTR1 (leucine zipper like post translational regulator 1; plus strand). Cytogenetic location: 22q11.21.
Variant type: single nucleotide variant.
Coding change: c.632A>G on transcript NM_006767.4 (MANE Select); coding-DNA position 632, A replaced by G.
Protein change: p.Glu211Gly; replaces glutamic acid 211 with glycine.
Molecular consequence: missense variant.
Genome position (GRCh38, 1-based): chr22:20,989,663, A>G. VCF-style: chr22-20989663-A-G. GRCh37 (hg19) VCF-style: chr22-21343952-A-G.
Other names: short protein forms E211G.
Identifiers: ClinVar variation 3869299 (VCV003869299.1).

ClinVar aggregate classification (germline): Uncertain significance (1 of 4 stars; one submission).

Conditions:
Cardiovascular phenotype. Identifiers: MedGen CN230736.
Hereditary cancer-predisposing syndrome. Also called: Tumor predisposition; Neoplastic Syndromes, Hereditary; Hereditary Cancer Syndrome; Hereditary neoplastic syndrome. Identifiers: Orphanet 140162, MedGen C0027672, MeSH D009386, MONDO:0015356.

Submission:

Ambry Genetics
Classification: Uncertain significance for Cardiovascular phenotype; Hereditary cancer-predisposing syndrome. Last evaluated: 2025-01-17. Review status: criteria provided, single submitter. Criteria: Ambry Variant Classification Scheme 2023. Collection method: clinical testing. Allele origin: germline.
Comment: The p.E211G variant (also known as c.632A>G), located in coding exon 7 of the LZTR1 gene, results from an A to G substitution at nucleotide position 632. The glutamic acid at codon 211 is replaced by glycine, an amino acid with similar properties. This amino acid position is conserved. In addition, this alteration is predicted to be tolerated by in silico analysis. Based on the available evidence, the clinical significance of this variant remains unclear.